The following is an entry in ClinVar:

ClinVar aggregate classification (germline): Uncertain significance (1 of 4 stars; one submission).

Conditions:
Familial thoracic aortic aneurysm and aortic dissection (TAAD). Also called: Thoracic aortic aneurysms and dissections. Identifiers: Orphanet 91387, MedGen C4707243, MONDO:0019625.

Submission:

Labcorp Genetics (formerly Invitae), Labcorp
Classification: Uncertain significance for Familial thoracic aortic aneurysm and aortic dissection. Last evaluated: 2018-09-06. Review status: criteria provided, single submitter. Criteria: Invitae Variant Classification Sherloc (09022015). Collection method: clinical testing. Allele origin: germline.
Comment: This sequence change results in a premature translational stop signal in the TGFBR2 gene (p.Val513Cysfs*5). While this is not anticipated to result in nonsense mediated decay, it is expected to disrupt the last 55 amino acids of the TGFBR2 protein. This variant is not present in population databases (ExAC no frequency). This variant has not been reported in the literature in individuals with TGFBR2-related disease. Algorithms developed to predict the effect of sequence changes on RNA splicing suggest that this variant may create or strengthen a splice site, but this prediction has not been confirmed by published transcriptional studies. In summary, the available evidence is currently insufficient to determine the role of this variant in disease. Therefore, it has been classified as a Variant of Uncertain Significance.

NM_003242.6(TGFBR2):c.1537del (p.Val513fs)

Gene: TGFBR2 (transforming growth factor beta receptor 2; plus strand). Cytogenetic location: 3p24.1.
Variant type: Deletion.
Coding change: c.1537del on transcript NM_003242.6 (MANE Select); coding-DNA position 1537, one base deleted (G; older notation c.1537delG).
Protein change: p.Val513fs; shifts the reading frame from valine 513.
Molecular consequence: frameshift variant.
Genome position (GRCh38, 1-based): chr3:30,691,432, G deleted; the last of 2 consecutive G bases (chr3:30,691,431-30,691,432); deleting either gives the same sequence. VCF-style (leftmost placement, unchanged base first): chr3-30691430-TG-T. GRCh37 (hg19) VCF-style: chr3-30732922-TG-T.
Other names: c.1612delG, p.Val538Cysfs (NM_001024847.3); c.1720delG, p.Val574Cysfs (NM_001407126.1); c.1645delG, p.Val549Cysfs (NM_001407127.1); c.1564delG, p.Val522Cysfs (NM_001407128.1); c.1540delG, p.Val514Cysfs (NM_001407129.1); c.1534delG, p.Val512Cysfs (NM_001407130.1); c.1432delG, p.Val478Cysfs (NM_001407132.1, NM_001407133.1, NM_001407134.1 and 2 more transcripts); c.1252delG, p.Val418Cysfs (NM_001407137.1); and 2 more; short protein forms V538fs, V513fs.
Identifiers: ClinVar variation 644081 (VCV000644081.6), dbSNP rs1575166637, ClinGen allele CA915941892.